The following is an entry in ClinVar:

NM_000179.3(MSH6):c.3557-5_3557-4del

Gene: MSH6 (mutS homolog 6; plus strand). Cytogenetic location: 2p16.3.
Variant type: Deletion.
Coding change: c.3557-5_3557-4del on transcript NM_000179.3 (MANE Select); 5 bases into the intron before coding-DNA position 3557 through 4 bases into the intron before coding-DNA position 3557, 2 bases deleted (TT; older notation c.3557-5_3557-4delTT).
Molecular consequence: intron variant.
Genome position (GRCh38, 1-based): chr2:47,805,613-47,805,614, TT deleted; deleting any 2 consecutive bases within chr2:47,805,602-47,805,614 gives the same sequence; the c. name uses the placement nearest the transcript's 3' end. VCF-style (leftmost placement, unchanged base first): chr2-47805601-ATT-A. GRCh37 (hg19) VCF-style: chr2-48032740-ATT-A.
Other names: c.3557-5_3557-4delTT (NM_000179.2, NM_000179.3); c.3557-5_3557-4del (NM_000179.2); c.2651-5_2651-4del (NM_001281493.2, NM_001281494.2); c.3167-5_3167-4del (NM_001281492.2).
Identifiers: ClinVar variation 1732640 (VCV001732640.14), dbSNP rs267608102, ClinGen allele CA1649457.
Genomic context (GRCh38, chr2:47,805,601, plus strand): 5'-CTATATAACCTAGAAGATGAATTTATGTAATATGATTTGCAAAATGAGTATTCATTTGTG[ATT>A]TTTTTTTTTTTAAGGTGAAAGTACATTTTTTGTTGAATTAAGTGAAACTGCCAGCATACT-3'

ClinVar aggregate classification (germline): Benign/Likely benign. Review status: criteria provided, multiple submitters, no conflicts (2 of 4 stars). 6 submissions from 6 submitters: Benign (1); Likely benign (5). Last evaluated 2025-03-04.

Conditions:
Mismatch repair cancer syndrome 3. Identifiers: MedGen C5436807, MONDO:0030841, OMIM 619097.
Breast and/or ovarian cancer. Identifiers: MedGen CN221562.
Hereditary cancer-predisposing syndrome. Also called: Tumor predisposition; Neoplastic Syndromes, Hereditary; Hereditary Cancer Syndrome; Hereditary neoplastic syndrome. Identifiers: Orphanet 140162, MedGen C0027672, MeSH D009386, MONDO:0015356.
Lynch syndrome. Identifiers: Orphanet 144, MedGen C4552100, MONDO:0005835. Disease mechanism: loss of function.
Lynch syndrome 5 (LYNCH5). Also called: Colorectal cancer, hereditary nonpolyposis, type 5; Hereditary non-polyposis colorectal cancer, type 5. Identifiers: Orphanet 144, MedGen C1833477, MONDO:0013710, OMIM 614350. Disease mechanism: loss of function.

Submissions (7):

Center for Genomic Medicine, Rigshospitalet, Copenhagen University Hospital
Classification: Benign. Last evaluated: 2025-03-04. Review status: criteria provided, single submitter. Criteria: ACMG Guidelines, 2015. Collection method: clinical testing. Allele origin: germline.

Department of Pathology and Laboratory Medicine, Sinai Health System
Classification: Likely benign for Mismatch repair cancer syndrome 3. Last evaluated: 2025-02-03. Review status: criteria provided, single submitter. Criteria: ACMG Guidelines, 2015. Collection method: clinical testing. Allele origin: germline. Affected: yes.

Myriad Genetics, Inc.
Classification: Likely benign for Lynch syndrome 5. Last evaluated: 2025-01-07. Review status: criteria provided, single submitter. Criteria: Myriad Autosomal Dominant, Autosomal Recessive and X-Linked Classification Criteria (2023). Collection method: clinical testing. Allele origin: unknown.
Comment: This variant is considered likely benign. This variant is intronic and is not expected to impact mRNA splicing.

All of Us Research Program, National Institutes of Health
Classification: Likely benign for Lynch syndrome. Last evaluated: 2023-12-13. Review status: criteria provided, single submitter. Criteria: ACMG Guidelines, 2015. Collection method: clinical testing. Allele origin: germline. Inheritance: Autosomal dominant inheritance. Observed: 4 variant alleles, 4 heterozygotes.
Comment: This study involves interpretation of variants in research participants for the purpose of population health screening. Participant phenotype was not available at the time of variant classification. Additional details can be found in publication PMID: 35346344, PMCID: PMC8962531

CHEO Genetics Diagnostic Laboratory, Children's Hospital of Eastern Ontario
Classification: Likely benign for Breast and/or ovarian cancer. Last evaluated: 2023-03-03. Review status: criteria provided, single submitter. Criteria: ACMG Guidelines, 2015. Collection method: clinical testing. Allele origin: germline.

Ambry Genetics
Classification: Likely benign for Hereditary cancer-predisposing syndrome. Last evaluated: 2018-03-13. Review status: criteria provided, single submitter. Criteria: Ambry Variant Classification Scheme 2023. Collection method: clinical testing. Allele origin: germline.

Dr. Peter K. Rogan Lab, Western University
No classification provided (evidence only). Condition: Gastric cancer. Review status: no classification provided. Collection method: in vitro. Allele origin: not applicable. Functional consequence: retained intron. Not counted in ClinVar's aggregate classification.